The following is an entry in ClinVar:

ClinVar aggregate classification (germline): Likely pathogenic (1 of 4 stars; one submission).

Conditions:
Dilated cardiomyopathy 1G (CMD1G). Identifiers: Orphanet 154, MedGen C1858763, MONDO:0011400, OMIM 604145.
Autosomal recessive limb-girdle muscular dystrophy type 2J (LGMDR10). Also called: Limb-girdle muscular dystrophy, type 2J; MUSCULAR DYSTROPHY, LIMB-GIRDLE, AUTOSOMAL RECESSIVE 10. Identifiers: Orphanet 140922, MedGen C1837342, MONDO:0012127, OMIM 608807.

Submission:

Labcorp Genetics (formerly Invitae), Labcorp
Classification: Likely pathogenic for Dilated cardiomyopathy 1G; Autosomal recessive limb-girdle muscular dystrophy type 2J. Last evaluated: 2024-08-16. Review status: criteria provided, single submitter. Criteria: Invitae Variant Classification Sherloc (09022015). Collection method: clinical testing. Allele origin: germline.
Comment: This variant results in the deletion of part of exon 21 (c.3523+1_3523+5del) of the TTN gene. It is expected to disrupt RNA splicing and likely results in a truncated or disrupted TTN protein. This variant is not present in population databases (gnomAD no frequency). This variant has not been reported in the literature in individuals affected with TTN-related conditions. This variant is located in the Z band of TTN (PMID: 25589632). Truncating variants in this region have been reported in individuals affected with autosomal recessive centronuclear myopathy (PMID: 33449170, Invitae internal data). Truncating variants in this region have also been identified in individuals affected with autosomal dominant dilated cardiomyopathy and/or cardio-related conditions (PMID: 27869827, 32964742, Invitae internal data). Algorithms developed to predict the effect of sequence changes on RNA splicing suggest that this variant may disrupt the consensus splice site. In summary, the currently available evidence indicates that the variant is pathogenic, but additional data are needed to prove that conclusively. Therefore, this variant has been classified as Likely Pathogenic.

Literature cited by the submitters: PubMed 25589632; PubMed 33449170; PubMed 27869827; PubMed 32964742.

NM_001267550.2(TTN):c.3523+1_3523+5del

Gene: TTN (titin; minus strand). Cytogenetic location: 2q31.2.
Variant type: Deletion.
Coding change: c.3523+1_3523+5del on transcript NM_001267550.2 (MANE Select); the canonical splice donor site of the intron after coding-DNA position 3523 through 5 bases into the intron after coding-DNA position 3523, 5 bases deleted (GTAAG; older notation c.3523+1_3523+5delGTAAG).
Molecular consequence: splice donor variant.
Genome position (GRCh38, 1-based): chr2:178,781,116-178,781,120, CTTAC deleted on the plus strand (GTAAG on the coding strand, the reverse complement: TTN is on the minus strand); deleting any 5 consecutive bases within chr2:178,781,116-178,781,123 gives the same sequence; the c. name uses the placement nearest the transcript's 3' end. VCF-style (leftmost placement, unchanged base first): chr2-178781115-ACTTAC-A. GRCh37 (hg19) VCF-style: chr2-179645842-ACTTAC-A.
Other names: c.3385+1_3385+5del (NM_003319.4, NM_133437.4, NM_133432.3); c.3523+1_3523+5del (NM_133378.4, NM_001256850.1, NM_133379.5).
Identifiers: ClinVar variation 3757159 (VCV003757159.2).